The following is an entry in ClinVar:

NM_025137.4(SPG11):c.2128A>G (p.Ile710Val)

Gene: SPG11 (SPG11 vesicle trafficking associated, spatacsin; minus strand). Cytogenetic location: 15q21.1.
Variant type: single nucleotide variant.
Coding change: c.2128A>G on transcript NM_025137.4 (MANE Select); coding-DNA position 2128, A replaced by G.
Protein change: p.Ile710Val; replaces isoleucine 710 with valine.
Molecular consequence: missense variant.
Genome position (GRCh38, 1-based): chr15:44,626,447, T>C on the plus strand (A>G on the coding strand, the complement: SPG11 is on the minus strand). VCF-style: chr15-44626447-T-C. GRCh37 (hg19) VCF-style: chr15-44918645-T-C.
Other names: c.2128A>G, p.Ile710Val (NM_001160227.2); short protein forms I710V.
Identifiers: ClinVar variation 849456 (VCV000849456.11), dbSNP rs779467011, ClinGen allele CA7535340.

ClinVar aggregate classification (germline): Uncertain significance. Review status: criteria provided, multiple submitters, no conflicts (2 of 4 stars). 5 submissions from 3 submitters: Uncertain significance (5). Last evaluated 2021-08-24.

Conditions:
Hereditary spastic paraplegia 11. Also called: Nakamura Osame syndrome; Autosomal recessive hereditary spastic paraplegia, mental impairment, and thin corpus callosum; SPASTIC PARAPLEGIA, AUTOSOMAL RECESSIVE, COMPLICATED, WITH THIN CORPUS CALLOSUM; SPASTIC PARAPLEGIA, AUTOSOMAL RECESSIVE, WITH MENTAL IMPAIRMENT AND THIN CORPUS CALLOSUM; Spastic paraplegia, mental retardation and thin corpus callosum; Spastic Paraplegia 11. Identifiers: Orphanet 2822, MedGen C1858479, MONDO:0011445, OMIM 604360.
Charcot-Marie-Tooth disease axonal type 2X. Also called: CHARCOT-MARIE-TOOTH DISEASE, AXONAL, AUTOSOMAL RECESSIVE, TYPE 2X; CHARCOT-MARIE-TOOTH NEUROPATHY, TYPE 2X. Identifiers: Orphanet 466775, MedGen C5569024, MONDO:0014726, OMIM 616668.
Hereditary spastic paraplegia. Also called: Familial spastic paraparesis. Identifiers: Orphanet 685, MedGen C0037773, MONDO:0019064. Disease mechanism: loss of function.
Amyotrophic lateral sclerosis type 5 (ALS5). Also called: AMYOTROPHIC LATERAL SCLEROSIS 5, JUVENILE. Identifiers: Orphanet 300605, MedGen C1865864, MONDO:0011196, OMIM 602099.

Allele frequency attached by ClinVar (database versions not stated): gnomAD below 0.00001 and 0.00001; TOPMed below 0.00001; gnomAD exomes 0.00002 and 0.00006; ExAC 0.00004.
gnomAD v4.1: 35 of 1,613,916 alleles (0.0022%); highest among the groups gnomAD compares: South Asian, 0.035%; no homozygotes.

Submissions (5):

Labcorp Genetics (formerly Invitae), Labcorp
Classification: Uncertain significance for Hereditary spastic paraplegia 11. Last evaluated: 2021-08-24. Review status: criteria provided, single submitter. Criteria: Invitae Variant Classification Sherloc (09022015). Collection method: clinical testing. Allele origin: germline.
Comment: This sequence change replaces isoleucine with valine at codon 710 of the SPG11 protein (p.Ile710Val). The isoleucine residue is moderately conserved and there is a small physicochemical difference between isoleucine and valine. This variant is present in population databases (rs779467011, ExAC 0.02%). This variant has not been reported in the literature in individuals affected with SPG11-related conditions. Algorithms developed to predict the effect of missense changes on protein structure and function (SIFT, PolyPhen-2, Align-GVGD) all suggest that this variant is likely to be tolerated. In summary, the available evidence is currently insufficient to determine the role of this variant in disease. Therefore, it has been classified as a Variant of Uncertain Significance.

Genome Diagnostics Laboratory, The Hospital for Sick Children
Classification: Uncertain significance for Hereditary spastic paraplegia. Last evaluated: 2021-05-14. Review status: criteria provided, single submitter. Criteria: ACMG Guidelines, 2015. Collection method: clinical testing. Allele origin: germline. Affected: yes.

Genome-Nilou Lab
Classification: Uncertain significance for Amyotrophic lateral sclerosis type 5. Review status: criteria provided, single submitter. Criteria: ACMG Guidelines, 2015. Collection method: clinical testing. Allele origin: germline.

Genome-Nilou Lab
Classification: Uncertain significance for Charcot-Marie-Tooth disease axonal type 2X. Review status: criteria provided, single submitter. Criteria: ACMG Guidelines, 2015. Collection method: clinical testing. Allele origin: germline.

Genome-Nilou Lab
Classification: Uncertain significance for Hereditary spastic paraplegia 11. Review status: criteria provided, single submitter. Criteria: ACMG Guidelines, 2015. Collection method: clinical testing. Allele origin: germline.